The following is an entry in ClinVar:

ClinVar aggregate classification (germline): Uncertain significance (1 of 4 stars; one submission).

Conditions:
Fanconi anemia complementation group O. Also called: RAD51C-Related Fanconi Anemia. Identifiers: Orphanet 84, MedGen C3150653, MONDO:0013248, OMIM 613390.

Submission:

Labcorp Genetics (formerly Invitae), Labcorp
Classification: Uncertain significance for Fanconi anemia complementation group O. Last evaluated: 2023-12-06. Review status: criteria provided, single submitter. Criteria: Invitae Variant Classification Sherloc (09022015). Collection method: clinical testing. Allele origin: germline.
Comment: This sequence change replaces aspartic acid, which is acidic and polar, with histidine, which is basic and polar, at codon 253 of the RAD51C protein (p.Asp253His). This variant is not present in population databases (gnomAD no frequency). This variant has not been reported in the literature in individuals affected with RAD51C-related conditions. ClinVar contains an entry for this variant (Variation ID: 2009023). Advanced modeling of protein sequence and biophysical properties (such as structural, functional, and spatial information, amino acid conservation, physicochemical variation, residue mobility, and thermodynamic stability) performed at Invitae indicates that this missense variant is not expected to disrupt RAD51C protein function with a negative predictive value of 80%. In summary, the available evidence is currently insufficient to determine the role of this variant in disease. Therefore, it has been classified as a Variant of Uncertain Significance.

NM_058216.3(RAD51C):c.757G>C (p.Asp253His)

Gene: RAD51C (RAD51 paralog C; plus strand). Cytogenetic location: 17q22.
Variant type: single nucleotide variant.
Coding change: c.757G>C on transcript NM_058216.3 (MANE Select); coding-DNA position 757, G replaced by C.
Protein change: p.Asp253His; replaces aspartic acid 253 with histidine.
Molecular consequence: missense variant. On other transcripts: non-coding transcript variant (1).
Genome position (GRCh38, 1-based): chr17:58,709,910, G>C. VCF-style: chr17-58709910-G-C. GRCh37 (hg19) VCF-style: chr17-56787271-G-C.
Other names: c.*185G>C (NM_058217.1); short protein forms D253H.
Identifiers: ClinVar variation 2009023 (VCV002009023.4), dbSNP rs2143851942, ClinGen allele CA400353653.